The following is an entry in ClinVar:

NM_000169.3(GLA):c.640-363C>T

Genes: GLA (galactosidase alpha; minus strand), RPL36A-HNRNPH2 (RPL36A-HNRNPH2 readthrough; plus strand). Cytogenetic location: Xq22.1.
Variant type: single nucleotide variant.
Coding change: c.640-363C>T on transcript NM_000169.3 (MANE Select); 363 bases into the intron before coding-DNA position 640, C replaced by T.
Molecular consequence: intron variant.
Genome position (GRCh38, 1-based): chrX:101,399,309, G>A on the plus strand (C>T on the coding strand, the complement: GLA is on the minus strand). VCF-style: chrX-101399309-G-A. GRCh37 (hg19) VCF-style: chrX-100654297-G-A.
Other names: c.300+3852G>A (NM_001199973.2); c.177+7487G>A (NM_001199974.2); c.763-363C>T (NM_001406747.1); c.640-363C>T (NM_001406748.1).
Identifiers: ClinVar variation 4087124 (VCV004087124.3).

ClinVar aggregate classification (germline): Benign/Likely benign. Review status: criteria provided, multiple submitters, no conflicts (2 of 4 stars). 2 submissions from 2 submitters: Benign (1); Likely benign (1). Last evaluated 2026-09-08.

Conditions:
Fabry disease. Also called: Fabry's disease; ALPHA-GALACTOSIDASE A DEFICIENCY; ANDERSON-FABRY DISEASE; CERAMIDE TRIHEXOSIDASE DEFICIENCY; GLA DEFICIENCY; HEREDITARY DYSTOPIC LIPIDOSIS. Identifiers: Orphanet 324, MedGen C0002986, MONDO:0010526, OMIM 301500, HP:0001071. Disease mechanism: Fabry disease is due to inactivating mutations in the X-linked GLA gene resulting in deficiency of the enzyme Alpha Galactosidase-A., loss of function.

gnomAD v4.1: 46 of 113,002 alleles (0.041%); highest among the groups gnomAD compares: East Asian, 1.2%; 1 homozygote.

Submissions (2):

Genomenon, Inc
Classification: Likely benign for Fabry disease. Last evaluated: 2026-09-08. Review status: criteria provided, single submitter. Criteria: Genomenon Sequence Variant Interpretation Standards - Updated. Collection method: curation. Allele origin: germline. Affected: no.
Comment: GLA c.640-363C>T is an intronic variant located in intron 4. This variant has been reported in the published literature (PMID:39609713). This variant is not predicted to impact splicing. In conclusion, we classify GLA c.640-363C>T as a likely benign variant.

CeGaT Center for Human Genetics Tuebingen
Classification: Benign. Last evaluated: 2026-07-01. Review status: criteria provided, single submitter. Criteria: CeGaT Center For Human Genetics Tuebingen Variant Classification Criteria Version 2. Collection method: clinical testing. Allele origin: germline. Affected: yes. Observed: 1 variant allele.
Comment: GLA: BS1, BS2

Literature cited by the submitters: PubMed 39609713 (cited by Genomenon, Inc).